The following is an entry in ClinVar:

NM_005909.5(MAP1B):c.3532G>A (p.Ala1178Thr)

Gene: MAP1B (microtubule associated protein 1B; plus strand). Cytogenetic location: 5q13.2.
Variant type: single nucleotide variant.
Coding change: c.3532G>A on transcript NM_005909.5 (MANE Select); coding-DNA position 3532, G replaced by A.
Protein change: p.Ala1178Thr; replaces alanine 1178 with threonine.
Molecular consequence: missense variant.
Genome position (GRCh38, 1-based): chr5:72,196,887, G>A. VCF-style: chr5-72196887-G-A. GRCh37 (hg19) VCF-style: chr5-71492714-G-A.
Other names: c.3154G>A, p.Ala1052Thr (NM_001324255.2); short protein forms A1052T, A1178T.
Identifiers: ClinVar variation 5000032 (VCV005000032.1).
Genomic context (GRCh38, chr5:72,196,887, plus strand): 5'-GAATTCGTAAATATCACCAAATATGAATCTTCATTGTATTCTCAGGAATACTCTAAACCT[G>A]CTGATGTTACACCGCTCAACGGATTTTCTGAAGGATCAAAAACAGATGCCACTGATGGCA-3'
Protein context (NP_005900.2, residues 1168-1188): SLYSQEYSKP[Ala1178Thr]DVTPLNGFSE

ClinVar aggregate classification (germline): Uncertain significance (1 of 4 stars; one submission).

Conditions:
MAP1B-related disorder. Also called: MAP1B-related condition.

gnomAD v4.1: 23 of 1,614,196 alleles (0.0014%); highest among the groups gnomAD compares: Non-Finnish European, 0.0019%; no homozygotes.

Submission:

PreventionGenetics, part of Exact Sciences
Classification: Uncertain significance for MAP1B-related condition. Last evaluated: 2024-10-19. Review status: criteria provided, single submitter. Criteria: ACMG Guidelines, 2015. Collection method: clinical testing. Allele origin: germline.
Comment: The MAP1B c.3532G>A variant is predicted to result in the amino acid substitution p.Ala1178Thr. To our knowledge, this variant has not been reported in the literature. This variant is reported in 0.00088% of alleles in individuals of European (Non-Finnish) descent in gnomAD. At this time, the clinical significance of this variant is uncertain due to the absence of conclusive functional and genetic evidence.